The following is an entry in ClinVar:

ClinVar aggregate classification (germline): Uncertain significance (1 of 4 stars; one submission).

gnomAD v4.1: 15 of 1,613,702 alleles (0.00093%); highest among the groups gnomAD compares: Admixed American, 0.025%; no homozygotes.

Submission:

Ambry Genetics
Classification: Uncertain significance. Last evaluated: 2024-12-27. Review status: criteria provided, single submitter. Criteria: Ambry Variant Classification Scheme 2023. Collection method: clinical testing. Allele origin: germline.
Comment: The p.P252H variant (also known as c.755C>A), located in coding exon 2 of the WNK2 gene, results from a C to A substitution at nucleotide position 755. The proline at codon 252 is replaced by histidine, an amino acid with similar properties. This amino acid position is conserved. In addition, the in silico prediction for this alteration is inconclusive. Based on the available evidence, the clinical significance of this variant remains unclear.

NM_006648.4(WNK2):c.755C>A (p.Pro252His)

Gene: WNK2 (WNK lysine deficient protein kinase 2; plus strand). Cytogenetic location: 9q22.31.
Variant type: single nucleotide variant.
Coding change: c.755C>A on transcript NM_006648.4 (MANE Select); coding-DNA position 755, C replaced by A.
Protein change: p.Pro252His; replaces proline 252 with histidine.
Molecular consequence: missense variant.
Genome position (GRCh38, 1-based): chr9:93,229,769, C>A. VCF-style: chr9-93229769-C-A. GRCh37 (hg19) VCF-style: chr9-95992051-C-A.
Other names: c.755C>A, p.Pro252His (NM_001282394.3); short protein forms P252H.
Identifiers: ClinVar variation 3333156 (VCV003333156.2).